The following is an entry in ClinVar:

NM_020832.3(ZNF687):c.3215C>G (p.Ala1072Gly)

Gene: ZNF687 (zinc finger protein 687; plus strand). Cytogenetic location: 1q21.3.
Variant type: single nucleotide variant.
Coding change: c.3215C>G on transcript NM_020832.3 (MANE Select); coding-DNA position 3215, C replaced by G.
Protein change: p.Ala1072Gly; replaces alanine 1072 with glycine.
Molecular consequence: missense variant.
Genome position (GRCh38, 1-based): chr1:151,290,569, C>G. VCF-style: chr1-151290569-C-G. GRCh37 (hg19) VCF-style: chr1-151263045-C-G.
Other names: c.3215C>G, p.Ala1072Gly (NM_001304763.2, NM_001304764.2); short protein forms A1072G.
Identifiers: ClinVar variation 2238080 (VCV002238080.5), dbSNP rs139287742, ClinGen allele CA29524163.
Genomic context (GRCh38, chr1:151,290,569, plus strand): 5'-AGCTTGGGGCCCAGTCCCCTGGCCGGGGGACCACCTTGGCTCGGGGTTCCAGTGCCAGAG[C>G]CCAGGTAGGCAGAGGCCCGGCCTGCTGTGCTAGGGCTTTGAGTGGGAAACTGGAAGGCAG-3'
Protein context (NP_065883.1, residues 1062-1082): TTLARGSSAR[Ala1072Gly]QGPGRKRRQS

ClinVar aggregate classification (germline): Uncertain significance. Review status: criteria provided, multiple submitters, no conflicts (2 of 4 stars). 2 submissions from 2 submitters: Uncertain significance (2). Last evaluated 2026-01-27.

Allele frequency attached by ClinVar (database versions not stated): ESP Exome Variant Server 0.00008; gnomAD 0.00003.
gnomAD v4.1: 7 of 1,612,682 alleles (0.00043%); highest among the groups gnomAD compares: African/African-American, 0.008%; no homozygotes.

Submissions (2):

Labcorp Genetics (formerly Invitae), Labcorp
Classification: Uncertain significance. Last evaluated: 2026-01-27. Review status: criteria provided, single submitter. Criteria: Invitae Variant Classification Sherloc (09022015). Collection method: clinical testing. Allele origin: germline.
Comment: This sequence change replaces alanine, which is neutral and non-polar, with glycine, which is neutral and non-polar, at codon 1072 of the ZNF687 protein (p.Ala1072Gly). This variant is not present in population databases (gnomAD no frequency). This variant has not been reported in the literature in individuals affected with ZNF687-related conditions. ClinVar contains an entry for this variant (Variation ID: 2238080). An algorithm developed to predict the effect of missense changes on protein structure and function (PolyPhen-2) suggests that this variant is likely to be tolerated. In summary, the available evidence is currently insufficient to determine the role of this variant in disease. Therefore, it has been classified as a Variant of Uncertain Significance.

Ambry Genetics
Classification: Uncertain significance. Last evaluated: 2021-07-16. Review status: criteria provided, single submitter. Criteria: Ambry Variant Classification Scheme 2023. Collection method: clinical testing. Allele origin: germline.